The following is an entry in ClinVar:

NM_019066.5(MAGEL2):c.1047G>C (p.Pro349=)

Gene: MAGEL2 (MAGE family member L2; minus strand). Cytogenetic location: 15q11.2.
Variant type: single nucleotide variant.
Coding change: c.1047G>C on transcript NM_019066.5 (MANE Select); coding-DNA position 1047, G replaced by C.
Protein change: p.Pro349=; no amino-acid change (proline 349 retained).
Molecular consequence: synonymous variant.
Genome position (GRCh38, 1-based): chr15:23,646,696, C>G on the plus strand (G>C on the coding strand, the complement: MAGEL2 is on the minus strand). VCF-style: chr15-23646696-C-G. GRCh37 (hg19) VCF-style: chr15-23891843-C-G.
Identifiers: ClinVar variation 4776777 (VCV004776777.1).

ClinVar aggregate classification (germline): Uncertain significance (1 of 4 stars; one submission).

gnomAD v4.1: 6 of 1,525,328 alleles (0.00039%); highest among the groups gnomAD compares: Non-Finnish European, 0.00053%; no homozygotes.

Submission:

Labcorp Genetics (formerly Invitae), Labcorp
Classification: Uncertain significance. Last evaluated: 2025-10-16. Review status: criteria provided, single submitter. Criteria: Invitae Variant Classification Sherloc (09022015). Collection method: clinical testing. Allele origin: germline.
Comment: This sequence change affects codon 349 of the MAGEL2 mRNA. It is a 'silent' change, meaning that it does not change the encoded amino acid sequence of the MAGEL2 protein. This variant is not present in population databases (gnomAD no frequency). This variant has not been reported in the literature in individuals affected with MAGEL2-related conditions. In summary, the available evidence is currently insufficient to determine the role of this variant in disease. Therefore, it has been classified as a Variant of Uncertain Significance.